The following is an entry in ClinVar:

NM_004714.3(DYRK1B):c.137G>A (p.Arg46His)

Gene: DYRK1B (dual specificity tyrosine phosphorylation regulated kinase 1B; minus strand). Cytogenetic location: 19q13.2.
Variant type: single nucleotide variant.
Coding change: c.137G>A on transcript NM_004714.3 (MANE Select); coding-DNA position 137, G replaced by A.
Protein change: p.Arg46His; replaces arginine 46 with histidine.
Molecular consequence: missense variant.
Genome position (GRCh38, 1-based): chr19:39,830,710, C>T on the plus strand (G>A on the coding strand, the complement: DYRK1B is on the minus strand). VCF-style: chr19-39830710-C-T. GRCh37 (hg19) VCF-style: chr19-40321350-C-T.
Other names: c.137G>A, p.Arg46His (NM_006483.3, NM_006484.3); short protein forms R46H.
Identifiers: ClinVar variation 3350522 (VCV003350522.1).

ClinVar aggregate classification (germline): Uncertain significance (0 of 4 stars; one submission).

Conditions:
DYRK1B-related disorder. Also called: DYRK1B-related condition.

gnomAD v4.1: 7 of 1,614,026 alleles (0.00043%); highest among the groups gnomAD compares: African/African-American, 0.0013%; no homozygotes.

Submission:

PreventionGenetics, part of Exact Sciences
Classification: Uncertain significance for DYRK1B-related condition. Last evaluated: 2024-01-31. Review status: no assertion criteria provided. Collection method: clinical testing. Allele origin: germline.
Comment: The DYRK1B c.137G>A variant is predicted to result in the amino acid substitution p.Arg46His. To our knowledge, this variant has not been reported in the literature. This variant is reported in 0.0062% of alleles in individuals of African descent in gnomAD. At this time, the clinical significance of this variant is uncertain due to the absence of conclusive functional and genetic evidence.